The following is an entry in ClinVar:

NM_004448.4(ERBB2):c.3007A>G (p.Thr1003Ala)

Gene: ERBB2 (erb-b2 receptor tyrosine kinase 2; plus strand). Cytogenetic location: 17q12.
Variant type: single nucleotide variant.
Coding change: c.3007A>G on transcript NM_004448.4 (MANE Select); coding-DNA position 3007, A replaced by G.
Protein change: p.Thr1003Ala; replaces threonine 1003 with alanine.
Molecular consequence: missense variant. On other transcripts: non-coding transcript variant (1), intron variant (1).
Genome position (GRCh38, 1-based): chr17:39,726,851, A>G. VCF-style: chr17-39726851-A-G. GRCh37 (hg19) VCF-style: chr17-37883104-A-G.
Other names: c.2917A>G, p.Thr973Ala (NM_001005862.3, NM_001382782.1, NM_001382783.1); c.2962A>G, p.Thr988Ala (NM_001289936.2); c.3007A>G, p.Thr1003Ala (NM_001289937.2, NM_001382796.1); c.3124A>G, p.Thr1042Ala (NM_001382784.1); c.3109A>G, p.Thr1037Ala (NM_001382785.1); c.3088A>G, p.Thr1030Ala (NM_001382786.1); c.3082A>G, p.Thr1028Ala (NM_001382787.1); c.3037A>G, p.Thr1013Ala (NM_001382788.1); and 15 more; short protein forms T1003A, T1030A, T1037A, T1042A, T657A, T917A, T973A, T987A.
Identifiers: ClinVar variation 2117539 (VCV002117539.4), dbSNP rs2143171343, ClinGen allele CA399309049.

ClinVar aggregate classification (germline): Uncertain significance (1 of 4 stars; one submission).

Submission:

Labcorp Genetics (formerly Invitae), Labcorp
Classification: Uncertain significance. Last evaluated: 2022-03-26. Review status: criteria provided, single submitter. Criteria: Invitae Variant Classification Sherloc (09022015). Collection method: clinical testing. Allele origin: germline.
Comment: In summary, the available evidence is currently insufficient to determine the role of this variant in disease. Therefore, it has been classified as a Variant of Uncertain Significance. Algorithms developed to predict the effect of missense changes on protein structure and function (SIFT, PolyPhen-2, Align-GVGD) all suggest that this variant is likely to be tolerated. This variant has not been reported in the literature in individuals affected with ERBB2-related conditions. This variant is not present in population databases (gnomAD no frequency). This sequence change replaces threonine, which is neutral and polar, with alanine, which is neutral and non-polar, at codon 1003 of the ERBB2 protein (p.Thr1003Ala).